The following is an entry in ClinVar:

ClinVar aggregate classification (germline): Uncertain significance. Review status: criteria provided, multiple submitters, no conflicts (2 of 4 stars). 4 submissions from 4 submitters: Uncertain significance (3). 1 of the submissions does not count toward it. Last evaluated 2025-09-07.

Conditions:
Proteinuria, chronic benign. Identifiers: MedGen C5394384, MONDO:0030042, OMIM 618884.
Imerslund-Grasbeck syndrome type 1 (IGS1). Also called: Megaloblastic anemia 1, Finnish type; MEGALOBLASTIC ANEMIA, 1; Imerslund-Gräsbeck syndrome 1. Identifiers: MedGen C4016819, MONDO:0100156, OMIM 261100.
Imerslund-Grasbeck syndrome. Also called: PERNICIOUS ANEMIA, JUVENILE, DUE TO SELECTIVE INTESTINAL MALABSORPTION OF VITAMIN B12, WITH PROTEINURIA; Imerslund-Gräsbeck syndrome; ENTEROCYTE COBALAMIN MALABSORPTION; ENTEROCYTE INTRINSIC FACTOR RECEPTOR, DEFECT OF; Megaloblastic anemia due to inborn errors of metabolism. Identifiers: Orphanet 35858, MedGen C4551825, MONDO:0009853.
CUBN-related disorder. Also called: CUBN-related condition.

Allele frequency attached by ClinVar (database versions not stated): gnomAD exomes 0.00002; gnomAD 0.00013 and 0.00012; ExAC 0.00001; ESP Exome Variant Server 0.00008; TOPMed 0.00011.
gnomAD v4.1: 48 of 1,613,648 alleles (0.003%); highest among the groups gnomAD compares: African/African-American, 0.036%; no homozygotes.

Submissions (4):

Labcorp Genetics (formerly Invitae), Labcorp
Classification: Uncertain significance for Imerslund-Grasbeck syndrome. Last evaluated: 2025-09-07. Review status: criteria provided, single submitter. Criteria: Invitae Variant Classification Sherloc (09022015). Collection method: clinical testing. Allele origin: germline.
Comment: This sequence change replaces arginine, which is basic and polar, with cysteine, which is neutral and slightly polar, at codon 1547 of the CUBN protein (p.Arg1547Cys). This variant is present in population databases (rs375920680, gnomAD 0.02%). This variant has not been reported in the literature in individuals affected with CUBN-related conditions. ClinVar contains an entry for this variant (Variation ID: 1327311). Invitae Evidence Modeling of protein sequence and biophysical properties (such as structural, functional, and spatial information, amino acid conservation, physicochemical variation, residue mobility, and thermodynamic stability) indicates that this missense variant is expected to disrupt CUBN protein function with a positive predictive value of 80%. In summary, the available evidence is currently insufficient to determine the role of this variant in disease. Therefore, it has been classified as a Variant of Uncertain Significance.

Fulgent Genetics
Classification: Uncertain significance for Imerslund-Grasbeck syndrome type 1; Proteinuria, chronic benign. Last evaluated: 2022-02-16. Review status: criteria provided, single submitter. Criteria: ACMG Guidelines, 2015. Collection method: clinical testing. Allele origin: unknown.

GeneDx
Classification: Uncertain significance. Last evaluated: 2021-04-23. Review status: criteria provided, single submitter. Criteria: GeneDx Variant Classification Process June 2021. Collection method: clinical testing. Allele origin: germline. Affected: yes.
Comment: Not observed at a significant frequency in large population cohorts (Lek et al., 2016); In silico analysis supports that this missense variant has a deleterious effect on protein structure/function; Has not been previously published as pathogenic or benign to our knowledge

PreventionGenetics, part of Exact Sciences
Classification: Uncertain significance for CUBN-related condition. Last evaluated: 2024-08-25. Review status: no assertion criteria provided. Collection method: clinical testing. Allele origin: germline. Not counted in ClinVar's aggregate classification.
Comment: The CUBN c.4639C>T variant is predicted to result in the amino acid substitution p.Arg1547Cys. To our knowledge, this variant has not been reported in the literature. This variant is reported in 0.012% of alleles in individuals of African descent in gnomAD. At this time, the clinical significance of this variant is uncertain due to the absence of conclusive functional and genetic evidence.

NM_001081.4(CUBN):c.4639C>T (p.Arg1547Cys)

Gene: CUBN (cubilin; minus strand). Cytogenetic location: 10p13.
Variant type: single nucleotide variant.
Coding change: c.4639C>T on transcript NM_001081.4 (MANE Select); coding-DNA position 4639, C replaced by T.
Protein change: p.Arg1547Cys; replaces arginine 1547 with cysteine.
Molecular consequence: missense variant.
Genome position (GRCh38, 1-based): chr10:16,982,540, G>A on the plus strand (C>T on the coding strand, the complement: CUBN is on the minus strand). VCF-style: chr10-16982540-G-A. GRCh37 (hg19) VCF-style: chr10-17024539-G-A.
Other names: short protein forms R1547C.
Identifiers: ClinVar variation 1327311 (VCV001327311.6), dbSNP rs375920680, ClinGen allele CA5424319.